The following is an entry in ClinVar:

NM_001904.4(CTNNB1):c.2141del (p.Pro714fs)

Gene: CTNNB1 (catenin beta 1; plus strand). Cytogenetic location: 3p22.1.
Variant type: Deletion.
Coding change: c.2141del on transcript NM_001904.4 (MANE Select); coding-DNA position 2141, one base deleted (C; older notation c.2141delC).
Protein change: p.Pro714fs; shifts the reading frame from proline 714.
Molecular consequence: frameshift variant.
Genome position (GRCh38, 1-based): chr3:41,239,137, C deleted; the last of 2 consecutive C bases (chr3:41,239,136-41,239,137); deleting either gives the same sequence. VCF-style (leftmost placement, unchanged base first): chr3-41239135-TC-T. GRCh37 (hg19) VCF-style: chr3-41280626-TC-T.
Other names: c.2141del, p.Pro714fs (NM_001098209.2, NM_001098210.2); c.2120del, p.Pro707fs (NM_001330729.2); short protein forms P707fs, P714fs.
Identifiers: ClinVar variation 1375966 (VCV001375966.8), dbSNP rs2125653005, ClinGen allele CA2573136950.

ClinVar aggregate classification (germline): Pathogenic (1 of 4 stars; one submission).

Submission:

Labcorp Genetics (formerly Invitae), Labcorp
Classification: Pathogenic. Last evaluated: 2023-08-10. Review status: criteria provided, single submitter. Criteria: Invitae Variant Classification Sherloc (09022015). Collection method: clinical testing. Allele origin: germline.
Comment: For these reasons, this variant has been classified as Pathogenic. This variant disrupts a region of the CTNNB1 protein in which other variant(s) (p.His758Leufs*30, p.His720*) have been determined to be pathogenic (PMID: 26757139, 28575650). This suggests that this is a clinically significant region of the protein, and that variants that disrupt it are likely to be disease-causing. ClinVar contains an entry for this variant (Variation ID: 1375966). This variant has not been reported in the literature in individuals affected with CTNNB1-related conditions. This variant is not present in population databases (gnomAD no frequency). This sequence change creates a premature translational stop signal (p.Pro714Leufs*21) in the CTNNB1 gene. While this is not anticipated to result in nonsense mediated decay, it is expected to disrupt the last 68 amino acid(s) of the CTNNB1 protein.

Literature cited by the submitters: PubMed 26757139; PubMed 28575650.